The following is an entry in ClinVar:

ClinVar aggregate classification (germline): Uncertain significance (1 of 4 stars; one submission).

Allele frequency attached by ClinVar (database versions not stated): gnomAD exomes below 0.00001.

Submission:

Ambry Genetics
Classification: Uncertain significance. Last evaluated: 2023-12-31. Review status: criteria provided, single submitter. Criteria: Ambry Variant Classification Scheme 2023. Collection method: clinical testing. Allele origin: germline.
Comment: The p.Q550H variant (also known as c.1650A>T), located in coding exon 1 of the MLH3 gene, results from an A to T substitution at nucleotide position 1650. The glutamine at codon 550 is replaced by histidine, an amino acid with highly similar properties. This amino acid position is conserved. In addition, this alteration is predicted to be tolerated by in silico analysis. Since supporting evidence is limited at this time, the clinical significance of this alteration remains unclear.

NM_001040108.2(MLH3):c.1650A>T (p.Gln550His)

Gene: MLH3 (mutL homolog 3; minus strand). Cytogenetic location: 14q24.3.
Variant type: single nucleotide variant.
Coding change: c.1650A>T on transcript NM_001040108.2 (MANE Select); coding-DNA position 1650, A replaced by T.
Protein change: p.Gln550His; replaces glutamine 550 with histidine.
Molecular consequence: missense variant.
Genome position (GRCh38, 1-based): chr14:75,048,006, T>A on the plus strand (A>T on the coding strand, the complement: MLH3 is on the minus strand). VCF-style: chr14-75048006-T-A. GRCh37 (hg19) VCF-style: chr14-75514709-T-A.
Other names: c.1650A>T, p.Gln550His (NM_014381.3); short protein forms Q550H.
Identifiers: ClinVar variation 3232451 (VCV003232451.1), dbSNP rs1467256402, ClinGen allele CA390444712.